The following is an entry in ClinVar:

NM_001145026.2(PTPRQ):c.3596C>T (p.Thr1199Ile)

Gene: PTPRQ (protein tyrosine phosphatase receptor type Q; plus strand). Cytogenetic location: 12q21.31.
Variant type: single nucleotide variant.
Coding change: c.3596C>T on transcript NM_001145026.2 (MANE Select); coding-DNA position 3596, C replaced by T.
Protein change: p.Thr1199Ile; replaces threonine 1199 with isoleucine.
Molecular consequence: missense variant.
Genome position (GRCh38, 1-based): chr12:80,542,239, C>T. VCF-style: chr12-80542239-C-T. GRCh37 (hg19) VCF-style: chr12-80936018-C-T.
Other names: short protein forms T1199I.
Identifiers: ClinVar variation 1710611 (VCV001710611.2), dbSNP rs1272016697, ClinGen allele CA385875280.

ClinVar aggregate classification (germline): Uncertain significance (1 of 4 stars; one submission).

Allele frequency attached by ClinVar (database versions not stated): TOPMed 0.00001.
gnomAD v4.1: 5 of 1,550,724 alleles (0.00032%); highest among the groups gnomAD compares: Admixed American, 0.0039%; no homozygotes.

Submission:

GeneDx
Classification: Uncertain significance. Last evaluated: 2022-04-15. Review status: criteria provided, single submitter. Criteria: GeneDx Variant Classification Process June 2021. Collection method: clinical testing. Allele origin: germline. Affected: yes.
Comment: In silico analysis supports that this missense variant has a deleterious effect on protein structure/function; Has not been previously published as pathogenic or benign to our knowledge